The following is an entry in ClinVar:

NM_001142864.4(PIEZO1):c.2759G>A (p.Arg920Gln)

Genes: HSALR1 (HSP90AB1 associated lncRNA 1; plus strand), PIEZO1 (piezo type mechanosensitive ion channel component 1 (Er blood group); minus strand). Cytogenetic location: 16q24.3.
Variant type: single nucleotide variant.
Coding change: c.2759G>A on transcript NM_001142864.4 (MANE Select); coding-DNA position 2759, G replaced by A.
Protein change: p.Arg920Gln; replaces arginine 920 with glutamine.
Molecular consequence: missense variant.
Genome position (GRCh38, 1-based): chr16:88,732,638, C>T on the plus strand (G>A on the coding strand, the complement: PIEZO1 is on the minus strand). VCF-style: chr16-88732638-C-T. GRCh37 (hg19) VCF-style: chr16-88799046-C-T.
Other names: c.2759G>A (NM_001142864.2); short protein forms R920Q.
Identifiers: ClinVar variation 1511974 (VCV001511974.12), dbSNP rs752372837, ClinGen allele CA8232714.

ClinVar aggregate classification (germline): Conflicting classifications of pathogenicity. Review status: criteria provided, conflicting classifications (1 of 4 stars). 5 submissions from 5 submitters: Uncertain significance (4); Benign (1). Last evaluated 2026-05-20.

Conditions:
Inborn genetic diseases. Identifiers: MedGen C0950123, MeSH D030342.

Allele frequency attached by ClinVar (database versions not stated): gnomAD exomes 0.00005; ExAC 0.00011; 1000 Genomes Project 30x 0.00016; gnomAD 0.00013 and 0.00010; TOPMed 0.00008.
gnomAD v4.1: 91 of 1,549,660 alleles (0.0059%); highest among the groups gnomAD compares: South Asian, 0.033%; no homozygotes.

Submissions (5):

Women's Health and Genetics/Laboratory Corporation of America, LabCorp
Classification: Uncertain significance. Last evaluated: 2026-05-20. Review status: criteria provided, single submitter. Criteria: LabCorp Variant Classification Summary - May 2015. Collection method: clinical testing. Allele origin: germline.
Comment: Variant summary: PIEZO1 c.2759G>A (p.Arg920Gln) results in a conservative amino acid change in the encoded protein sequence. Algorithms developed to predict the effect of missense changes on protein structure and function are either unavailable or do not agree on the potential impact of this missense change. The variant allele was found at a frequency of 5.2e-05 in 152856 control chromosomes. The available data on variant occurrences in the general population are insufficient to allow any conclusion about variant significance. To our knowledge, no occurrence of c.2759G>A in individuals affected with PIEZO1-related conditions and no experimental evidence demonstrating its impact on protein function have been reported. ClinVar contains an entry for this variant (Variation ID: 1511974). Based on the evidence outlined above, the variant was classified as uncertain significance.

Ambry Genetics
Classification: Uncertain significance for Inborn genetic diseases. Last evaluated: 2025-06-16. Review status: criteria provided, single submitter. Criteria: Ambry Variant Classification Scheme 2023. Collection method: clinical testing. Allele origin: germline.

Revvity Omics, Revvity
Classification: Uncertain significance. Last evaluated: 2023-11-27. Review status: criteria provided, single submitter. Criteria: ACMG Guidelines, 2015. Collection method: clinical testing. Allele origin: germline.

ARUP Laboratories, Molecular Genetics and Genomics, ARUP Laboratories
Classification: Uncertain significance. Last evaluated: 2023-08-18. Review status: criteria provided, single submitter. Criteria: ARUP Molecular Germline Variant Investigation Process 2024. Collection method: clinical testing. Allele origin: germline.

Labcorp Genetics (formerly Invitae), Labcorp
Classification: Benign. Last evaluated: 2022-12-06. Review status: criteria provided, single submitter. Criteria: Invitae Variant Classification Sherloc (09022015). Collection method: clinical testing. Allele origin: germline.